The following is an entry in ClinVar:

ClinVar aggregate classification (germline): Likely benign. Review status: criteria provided, single submitter (1 of 4 stars). 2 submissions from 2 submitters: Likely benign (1). 1 of the submissions does not count toward it. Last evaluated 2021-07-14.

Conditions:
HK1-related disorder. Also called: HK1-related condition; HK1-related disorders.

Allele frequency attached by ClinVar (database versions not stated): gnomAD exomes below 0.00001; gnomAD 0.00001; TOPMed 0.00001.
gnomAD v4.1: 30 of 1,613,384 alleles (0.0019%); highest among the groups gnomAD compares: South Asian, 0.0022%; 1 homozygote.

Submissions (2):

Labcorp Genetics (formerly Invitae), Labcorp
Classification: Likely benign. Last evaluated: 2021-07-14. Review status: criteria provided, single submitter. Criteria: Invitae Variant Classification Sherloc (09022015). Collection method: clinical testing. Allele origin: germline.

PreventionGenetics, part of Exact Sciences
Classification: Likely benign for HK1-related condition. Last evaluated: 2019-08-27. Review status: no assertion criteria provided. Collection method: clinical testing. Allele origin: germline. Not counted in ClinVar's aggregate classification.
Comment: This variant is classified as likely benign based on ACMG/AMP sequence variant interpretation guidelines (Richards et al. 2015 PMID: 25741868, with internal and published modifications).

NM_000188.3(HK1):c.1509G>A (p.Thr503=)

Gene: HK1 (hexokinase 1; plus strand). Cytogenetic location: 10q22.1.
Variant type: single nucleotide variant.
Coding change: c.1509G>A on transcript NM_000188.3 (MANE Select); coding-DNA position 1509, G replaced by A.
Protein change: p.Thr503=; no amino-acid change (threonine 503 retained).
Molecular consequence: synonymous variant.
Genome position (GRCh38, 1-based): chr10:69,382,730, G>A. VCF-style: chr10-69382730-G-A. GRCh37 (hg19) VCF-style: chr10-71142486-G-A.
Other names: c.1521G>A, p.Thr507= (NM_001322364.2, NM_001358263.1, NM_033497.3 and 1 more transcripts); c.1614G>A, p.Thr538= (NM_001322365.2); c.1425G>A, p.Thr475= (NM_001322366.1); c.1413G>A, p.Thr471= (NM_001322367.1); c.1506G>A, p.Thr502= (NM_033496.3); c.1473G>A, p.Thr491= (NM_033500.2); c.1509G>A (NM_000188.2).
Identifiers: ClinVar variation 1571840 (VCV001571840.10), dbSNP rs1269728211, ClinGen allele CA470276581.